The following is an entry in ClinVar:

NM_000059.4(BRCA2):c.8242G>A (p.Gly2748Ser)

Gene: BRCA2 (BRCA2 DNA repair associated; plus strand). Cytogenetic location: 13q13.1.
Variant type: single nucleotide variant.
Coding change: c.8242G>A on transcript NM_000059.4 (MANE Select); coding-DNA position 8242, G replaced by A.
Protein change: p.Gly2748Ser; replaces glycine 2748 with serine.
Molecular consequence: missense variant.
Genome position (GRCh38, 1-based): chr13:32,363,444, G>A. VCF-style: chr13-32363444-G-A. GRCh37 (hg19) VCF-style: chr13-32937581-G-A.
Other names: NM_000059.4(BRCA2):c.8242G>A; short protein forms G2748S.
Identifiers: ClinVar variation 409429 (VCV000409429.45), dbSNP rs56371528, ClinGen allele CA16614372.

ClinVar aggregate classification (germline): Uncertain significance. Review status: reviewed by expert panel (3 of 4 stars). 10 submissions from 10 submitters: Uncertain significance (1). 9 of the submissions do not count toward it. Last evaluated 2026-01-04.

Conditions:
BRCA2-related cancer predisposition. Identifiers: MedGen CN377758, MONDO:0700269.
Inherited prostate cancer.
Hereditary cancer-predisposing syndrome. Also called: Tumor predisposition; Hereditary neoplastic syndrome; Hereditary Cancer Syndrome; Neoplastic Syndromes, Hereditary. Identifiers: Orphanet 140162, MedGen C0027672, MeSH D009386, MONDO:0015356.
Hereditary breast ovarian cancer syndrome. Also called: Hereditary breast and ovarian cancer syndrome; BRCA1- and BRCA2-Associated Hereditary Breast and Ovarian Cancer; Hereditary breast and/or ovarian cancer syndrome; Hereditary breast and ovarian cancer syndrome (HBOC); Breast and ovarian cancer; Hereditary breast and ovarian cancer. Identifiers: Orphanet 145, MedGen C0677776, MeSH D061325, MONDO:0003582. Disease mechanism: loss of function.
Familial cancer of breast. Also called: hereditary breast carcinoma; BREAST CANCER, FAMILIAL; Hereditary breast cancer. Identifiers: Orphanet 227535, MedGen C0346153, MONDO:0016419, OMIM 114480. Disease mechanism: loss of function.

Allele frequency attached by ClinVar (database versions not stated): TOPMed 0.00002.
gnomAD v4.1: 6 of 1,614,064 alleles (0.00037%); highest among the groups gnomAD compares: Admixed American, 0.0033%; no homozygotes.

Submissions (10):

ClinGen ENIGMA BRCA1 and BRCA2 Variant Curation Expert Panel, ClinGen
Classification: Uncertain significance for BRCA2-related cancer predisposition. Last evaluated: 2026-01-04. Review status: reviewed by expert panel. Criteria: CSpec BRCA12ACMG Rules Specifications V1.1. Collection method: curation. Allele origin: germline. Inheritance: Autosomal dominant inheritance.
Comment: The c.8242G>A variant in BRCA2 is a missense variant predicted to cause substitution of Glycine by Serine at amino acid 2748 (p.(Gly2748Ser)). This variant is present in gnomAD v2.1 (exomes only, non-cancer subset) or gnomAD v3.1 (non-cancer subset) but is below the ENIGMA BRCA1/2 VCEP threshold >0.00002 for BS1_Supporting (PM2_Supporting, BS1, and BA1 are not met). Reported by three calibrated studies with discordant results. Functional effect similar to pathogenic control variants (PMIDs: 38417439, 39779857) and between what was observed for benign and pathogenic control variants (PMID:39779848) (PS3 and BS3 not met). This BRCA2 missense variant is within a key functional domain and the computational predictor BayesDel (noAF) gives a score of 0.46, above the recommended threshold of 0.30 for prediction of impact on BRCA2 function via protein change. A SpliceAI score of 0.06 predicts no impact on splicing (score threshold <0.10) (PP3 met). Multifactorial likelihood ratio analysis using clinically calibrated data produced a combined LR for this variant of 0.16 (based on Case-Control LR=0.16), within the thresholds for moderate benign evidence (LR >0.05 & ≤0.23) (BP5_Moderate met; PMID: 40413188). In summary, this variant meets the criteria to be classified as a Variant of uncertain significance for BRCA2-related cancer predisposition based on the ACMG/AMP criteria applied as specified by the ENIGMA BRCA1/2 VCEP (PP3, BP5_Moderate).

GeneDx
Classification: Pathogenic. Last evaluated: 2026-08-31. Review status: criteria provided, single submitter. Criteria: GeneDx Variant Classification Process June 2021. Collection method: clinical testing. Allele origin: germline. Not counted in ClinVar's aggregate classification.
Comment: Not observed at significant frequency in large population cohorts (gnomAD); In silico analysis suggests that this missense variant does not alter protein structure/function; Also known as 8470G>A; This variant is associated with the following publications: (PMID: 33609447, 35736817, 18451181, 39779848, 39779857, 12228710)

Women's Health and Genetics/Laboratory Corporation of America, LabCorp
Classification: Likely pathogenic for Hereditary breast ovarian cancer syndrome. Last evaluated: 2026-05-18. Review status: criteria provided, single submitter. Criteria: LabCorp Variant Classification Summary - May 2015. Collection method: clinical testing. Allele origin: germline. Not counted in ClinVar's aggregate classification.
Comment: Variant summary: BRCA2 c.8242G>A (p.Gly2748Ser) results in a non-conservative amino acid change located in the BRCA2, OB1 domain (IPR015187) of the encoded protein sequence. Five of five in-silico tools predict a damaging effect of the variant on protein function. The variant allele was found at a frequency of 1.2e-05 in 249070 control chromosomes. To our knowledge, no occurrence of c.8242G>A in individuals affected with Hereditary Breast And Ovarian Cancer Syndrome has been reported. At least one publication reports HDR experimental evidence evaluating an impact on protein function (Richardson_2021). The study assigned PS3 code for this variant (PS3 was applied only when the upper 95% CI is <1.66.). HDR assays qualify as a recognized gold standard on the basis of updated guidance provided by the ClinGen Sequence Variant Interpretation (SVI) working group. This working group has recommended strong functional evidence (ACMG PS3) as sufficient weightage for categorization as likely pathogenic (Tavtigian_2018). The following publications have been ascertained in the context of this evaluation (PMID: 35736817, 33609447). ClinVar contains an entry for this variant (Variation ID: 409429). Based on the evidence outlined above, the variant was classified as likely pathogenic.

Cambridge Genomics Laboratory, East Genomic Laboratory Hub, NHS Genomic Medicine Service
Classification: Likely pathogenic for Inherited prostate cancer. Last evaluated: 2026-04-09. Review status: criteria provided, single submitter. Criteria: ACGS Best Practice Guidelines for Variant Classification in Rare Disease 2020. Collection method: clinical testing. Allele origin: germline. Affected: yes. Not counted in ClinVar's aggregate classification.
Comment: PS3_Moderate,PM2_Supporting,PM5,PP3

Labcorp Genetics (formerly Invitae), Labcorp
Classification: Likely pathogenic for Hereditary breast ovarian cancer syndrome. Last evaluated: 2026-02-02. Review status: criteria provided, single submitter. Criteria: Invitae Variant Classification Sherloc (09022015). Collection method: clinical testing. Allele origin: germline. Not counted in ClinVar's aggregate classification.
Comment: This sequence change replaces glycine, which is neutral and non-polar, with serine, which is neutral and polar, at codon 2748 of the BRCA2 protein (p.Gly2748Ser). This variant is present in population databases (rs56371528, gnomAD 0.006%). This variant has not been reported in the literature in individuals affected with BRCA2-related conditions. ClinVar contains an entry for this variant (Variation ID: 409429). Invitae Evidence Modeling incorporating data from in vitro experimental studies (PMID: 33609447) indicates that this missense variant is expected to disrupt BRCA2 function with a positive predictive value of 95%. Experimental studies have shown that this missense change affects BRCA2 function (PMID: 35736817). This variant disrupts the p.Gly2748 amino acid residue in BRCA2. Other variant(s) that disrupt this residue have been determined to be pathogenic (PMID: 15026808, 17924331, 18451181, 21671020, 22711857, 23108138, 23328489, 25146914). This suggests that this residue is clinically significant, and that variants that disrupt this residue are likely to be disease-causing. In summary, the currently available evidence indicates that the variant is pathogenic, but additional data are needed to prove that conclusively. Therefore, this variant has been classified as Likely Pathogenic.

Ambry Genetics
Classification: Likely pathogenic for Hereditary cancer-predisposing syndrome. Last evaluated: 2025-09-04. Review status: criteria provided, single submitter. Criteria: Ambry Variant Classification Scheme 2023. Collection method: clinical testing. Allele origin: germline. Not counted in ClinVar's aggregate classification.
Comment: The p.G2748S variant (also known as c.8242G>A), located in coding exon 17 of the BRCA2 gene, results from a G to A substitution at nucleotide position 8242. The glycine at codon 2748 is replaced by serine, an amino acid with similar properties. This variant was non-functional in a homology-directed DNA repair (HDR) assay (Richardson ME et al. Am J Hum Genet, 2021 03;108:458-468; Hu C et al. Am J Hum Genet. 2024 Mar;111(3):584-593). A saturation genome editing-based study using a haploid cell-survival assay demonstrates that this nucleotide substitution is non-functional (Huang H et al. Nature. 2025 Feb;638(8050):528-537). Another saturation genome editing-based study using a humanized mouse embryonic stem cell line assay of drug response and survival reports the functional impact of this variant as uncertain (Sahu S et al. Nature. 2025 Feb;638(8050):538-545). This alteration is also predicted to destabilize the local structure and disrupt the protein binding ability of BRCA2 (Yang H et al. Science 2002 Sep;297:1837-48; Marston NJ et al. Mol. Cell. Biol. 1999 Jul;19:4633-42; Ambry internal data). This amino acid position is highly conserved in available vertebrate species. In addition, this alteration is predicted to be deleterious by in silico analysis. Based on the majority of available evidence to date, this variant is likely to be pathogenic.

Quest Diagnostics Nichols Institute San Juan Capistrano
Classification: Likely pathogenic. Last evaluated: 2025-02-13. Review status: criteria provided, single submitter. Criteria: Quest Diagnostics criteria. Collection method: clinical testing. Allele origin: unknown. Not counted in ClinVar's aggregate classification.
Comment: The BRCA2 c.8242G>A (p.Gly2748Ser) variant has been reported in the published literature to be damaging to BRCA2 protein function (PMID: 33609447 (2021), 35736817 (2022), 39779857 (2025)). The frequency of this variant in the general population (Genome Aggregation Database) is uninformative in the assessment of its pathogenicity. Analysis of this variant using bioinformatics tools for the prediction of the effect of amino acid changes on protein structure and function yielded predictions that this variant is damaging. Based on the available information, this variant is classified as likely pathogenic.

CeGaT Center for Human Genetics Tuebingen
Classification: Likely pathogenic. Last evaluated: 2024-06-01. Review status: criteria provided, single submitter. Criteria: CeGaT Center For Human Genetics Tuebingen Variant Classification Criteria Version 2. Collection method: clinical testing. Allele origin: germline. Affected: yes. Observed: 2 variant alleles. Not counted in ClinVar's aggregate classification.
Comment: BRCA2: PM2, PM5, PS3:Moderate

Baylor Genetics
Classification: Likely pathogenic for Familial cancer of breast. Last evaluated: 2024-01-19. Review status: criteria provided, single submitter. Criteria: ACMG Guidelines, 2015. Collection method: clinical testing. Allele origin: unknown. Not counted in ClinVar's aggregate classification.

Color Diagnostics, LLC DBA Color Health
Classification: Likely pathogenic for Hereditary cancer-predisposing syndrome. Last evaluated: 2023-07-14. Review status: criteria provided, single submitter. Criteria: ACMG Guidelines, 2015. Collection method: clinical testing. Allele origin: germline. Not counted in ClinVar's aggregate classification.
Comment: This missense variant replaces glycine with serine at codon 2748 of the BRCA2 protein. Computational prediction suggests that this variant may have deleterious impact on protein structure and function (internally defined REVEL score threshold >= 0.7, PMID: 27666373). Functional studies have shown the resulting protein to be defective in homology-directed DNA repair assays in mammalian cells (PMID: 33609447, 35736817). This variant has been detected in individuals affected with BRCA2-associated cancers and relevant family history (Color internal data). A different variant affecting the same codon, c.8243G>A (p.Gly2748Asp), is considered to be disease-causing (ClinVar Variation ID: 52535), suggesting that Gly at this position is important for the protein function. This variant has been identified in 3/249070 chromosomes in the general population by the Genome Aggregation Database (gnomAD). Based on the available evidence, this variant is classified as Likely Pathogenic.

Literature cited by the submitters: PubMed 33609447 (cited by 5 submitters); PubMed 35736817 (cited by 4 submitters); PubMed 15026808 (cited by Labcorp Genetics (formerly Invitae), Labcorp); PubMed 17924331 (cited by Labcorp Genetics (formerly Invitae), Labcorp); PubMed 18451181 (cited by Labcorp Genetics (formerly Invitae), Labcorp); PubMed 21671020 (cited by Labcorp Genetics (formerly Invitae), Labcorp); PubMed 22711857 (cited by Labcorp Genetics (formerly Invitae), Labcorp); PubMed 23108138 (cited by Labcorp Genetics (formerly Invitae), Labcorp); PubMed 23328489 (cited by Labcorp Genetics (formerly Invitae), Labcorp); PubMed 25146914 (cited by Labcorp Genetics (formerly Invitae), Labcorp); PubMed 38417439 (cited by Ambry Genetics); PubMed 39779848 (cited by Ambry Genetics and Quest Diagnostics Nichols Institute San Juan Capistrano); PubMed 39779857 (cited by Ambry Genetics and Quest Diagnostics Nichols Institute San Juan Capistrano).